The following is an entry in ClinVar:

ClinVar aggregate classification (germline): Uncertain significance. Review status: criteria provided, multiple submitters, no conflicts (2 of 4 stars). 4 submissions from 4 submitters: Uncertain significance (3). 1 of the submissions does not count toward it. Last evaluated 2024-08-25.

Conditions:
Congenital myasthenic syndrome (CMS). Also called: Congenital Myasthenic Syndromes. Identifiers: Orphanet 590, MedGen C0751882, MeSH D020294, MONDO:0018940.
Inborn genetic diseases. Identifiers: MedGen C0950123, MeSH D030342.
Fetal akinesia deformation sequence 1 (FADS1). Also called: Pena-Shokeir syndrome type I; Fetal akinesia sequence. Identifiers: Orphanet 994, MedGen C1276035, MONDO:0100101, OMIM 208150, HP:0001989.
Congenital myasthenic syndrome 11. Also called: Myasthenic syndrome, congenital, 11, associated with acetylcholine receptor deficiency; MYASTHENIC SYNDROME, CONGENITAL, Ie. Identifiers: Orphanet 590, MedGen C4225367, MONDO:0014588, OMIM 616326.

Allele frequency attached by ClinVar (database versions not stated): ExAC 0.00001; gnomAD exomes 0.00001; gnomAD 0.00002 and 0.00003; TOPMed 0.00006.
gnomAD v4.1: 12 of 1,607,962 alleles (0.00075%); highest among the groups gnomAD compares: Admixed American, 0.0083%; no homozygotes.

Submissions (4):

GeneDx
Classification: Uncertain significance. Last evaluated: 2024-08-25. Review status: criteria provided, single submitter. Criteria: GeneDx Variant Classification Process June 2021. Collection method: clinical testing. Allele origin: germline. Affected: yes.
Comment: Not observed at significant frequency in large population cohorts (gnomAD); In silico analysis indicates that this missense variant does not alter protein structure/function; Has not been previously published as pathogenic or benign to our knowledge; This variant is associated with the following publications: (PMID: 22678886)

Ambry Genetics
Classification: Uncertain significance for Inborn genetic diseases. Last evaluated: 2023-11-06. Review status: criteria provided, single submitter. Criteria: Ambry Variant Classification Scheme 2023. Collection method: clinical testing. Allele origin: germline.

Labcorp Genetics (formerly Invitae), Labcorp
Classification: Uncertain significance for Congenital myasthenic syndrome 11; Fetal akinesia deformation sequence 1. Last evaluated: 2022-06-23. Review status: criteria provided, single submitter. Criteria: Invitae Variant Classification Sherloc (09022015). Collection method: clinical testing. Allele origin: germline.
Comment: This sequence change replaces aspartic acid, which is acidic and polar, with asparagine, which is neutral and polar, at codon 270 of the RAPSN protein (p.Asp270Asn). This variant is present in population databases (rs768011436, gnomAD 0.006%). This variant has not been reported in the literature in individuals affected with RAPSN-related conditions. ClinVar contains an entry for this variant (Variation ID: 968338). Algorithms developed to predict the effect of missense changes on protein structure and function are either unavailable or do not agree on the potential impact of this missense change (SIFT: "Deleterious"; PolyPhen-2: "Benign"; Align-GVGD: "Class C0"). In summary, the available evidence is currently insufficient to determine the role of this variant in disease. Therefore, it has been classified as a Variant of Uncertain Significance.

Natera, Inc.
Classification: Uncertain significance for Congenital myasthenic syndrome. Last evaluated: 2020-04-13. Review status: no assertion criteria provided. Collection method: clinical testing. Allele origin: germline. Not counted in ClinVar's aggregate classification.

NM_005055.5(RAPSN):c.808G>A (p.Asp270Asn)

Gene: RAPSN (receptor associated protein of the synapse; minus strand). Cytogenetic location: 11p11.2.
Variant type: single nucleotide variant.
Coding change: c.808G>A on transcript NM_005055.5 (MANE Select); coding-DNA position 808, G replaced by A.
Protein change: p.Asp270Asn; replaces aspartic acid 270 with asparagine.
Molecular consequence: missense variant. On other transcripts: intron variant (1).
Genome position (GRCh38, 1-based): chr11:47,441,715, C>T on the plus strand (G>A on the coding strand, the complement: RAPSN is on the minus strand). VCF-style: chr11-47441715-C-T. GRCh37 (hg19) VCF-style: chr11-47463267-C-T.
Other names: c.789+108G>A (NM_032645.5); short protein forms D270N.
Identifiers: ClinVar variation 968338 (VCV000968338.6), dbSNP rs768011436, ClinGen allele CA5976618.